The following is an entry in ClinVar:

NM_014946.4(SPAST):c.1173+185_1245del

Gene: SPAST (spastin; plus strand). Cytogenetic location: 2p22.3.
Variant type: Deletion.
Coding change: c.1173+185_1245del on transcript NM_014946.4 (MANE Select); 185 bases into the intron after coding-DNA position 1173 through coding-DNA position 1245, 1,273 bases deleted.
Molecular consequence: splice acceptor variant.
Genome position (GRCh38, 1-based): chr2:32,127,207-32,128,479, 1,273 bases deleted. GRCh37 (hg19): chr2:32,352,276-32,353,548.
Other names: c.1077+185_1149del (NM_199436.2, NM_001377959.1); c.1170+185_1242del (NM_001363823.2); c.1074+185_1146del (NM_001363875.2).
Identifiers: ClinVar variation 951558 (VCV000951558.1), ClinGen allele CA1139656869.

ClinVar aggregate classification (germline): Pathogenic (1 of 4 stars; one submission).

Conditions:
Hereditary spastic paraplegia 4. Also called: Spastic paraplegia 4, autosomal dominant; Familial spastic paraplegia autosomal dominant 2; Spastic Paraplegia 4. Identifiers: Orphanet 100985, MedGen C1866855, MONDO:0008438, OMIM 182601.

Submission:

Labcorp Genetics (formerly Invitae), Labcorp
Classification: Pathogenic for Spastic paraplegia 4, autosomal dominant. Last evaluated: 2019-04-08. Review status: criteria provided, single submitter. Criteria: Invitae Variant Classification Sherloc (09022015). Collection method: clinical testing. Allele origin: germline.
Comment: This variant is a deletion of the genomic region encompassing part of exon 9 (c.1173+184_1244del) of the SPAST gene. It is expected to disrupt RNA splicing and likely results in an absent or disrupted protein product. This variant has not been reported in the literature in individuals with SPAST-related conditions. This copy number variant disrupts the p.Ser413 amino acid residue in SPAST. Other variant(s) that disrupt this residue have been determined to be pathogenic (PMID: 20550563, Invitae). This suggests that this residue is clinically significant, and that variants that disrupt this residue are likely to be disease-causing. Loss-of-function variants in SPAST are known to be pathogenic (PMID: 20932283). For these reasons, this variant has been classified as Pathogenic.

Literature cited by the submitters: PubMed 20550563.